The following is an entry in ClinVar:

NM_000059.4(BRCA2):c.3938A>C (p.Tyr1313Ser)

Gene: BRCA2 (BRCA2 DNA repair associated; plus strand). Cytogenetic location: 13q13.1.
Variant type: single nucleotide variant.
Coding change: c.3938A>C on transcript NM_000059.4 (MANE Select); coding-DNA position 3938, A replaced by C.
Protein change: p.Tyr1313Ser; replaces tyrosine 1313 with serine.
Molecular consequence: missense variant.
Genome position (GRCh38, 1-based): chr13:32,338,293, A>C. VCF-style: chr13-32338293-A-C. GRCh37 (hg19) VCF-style: chr13-32912430-A-C.
Other names: short protein forms Y1313S.
Identifiers: ClinVar variation 51567 (VCV000051567.13), dbSNP rs80358639, ClinGen allele CA019228.

ClinVar aggregate classification (germline): Conflicting classifications of pathogenicity. Review status: criteria provided, conflicting classifications (1 of 4 stars). 4 submissions from 4 submitters: Uncertain significance (2); Likely benign (1). 1 of the submissions does not count toward it. Last evaluated 2024-03-07.

Conditions:
Hereditary breast ovarian cancer syndrome. Also called: Hereditary breast and ovarian cancer syndrome; Hereditary breast and ovarian cancer; Hereditary breast and ovarian cancer syndrome (HBOC); Breast and ovarian cancer; Hereditary breast and/or ovarian cancer syndrome; BRCA1- and BRCA2-Associated Hereditary Breast and Ovarian Cancer. Identifiers: Orphanet 145, MedGen C0677776, MeSH D061325, MONDO:0003582. Disease mechanism: loss of function.
Breast-ovarian cancer, familial, susceptibility to, 2 (BROVCA2). Also called: BRCA2 Hereditary Breast and Ovarian Cancer. Identifiers: Orphanet 145, MedGen C2675520, MONDO:0012933, OMIM 612555. Disease mechanism: loss of function.
Familial colorectal cancer type X. Identifiers: Orphanet 440437, MedGen C3896578, MONDO:0018604.
Hereditary cancer-predisposing syndrome. Also called: Neoplastic Syndromes, Hereditary; Tumor predisposition; Hereditary Cancer Syndrome; Hereditary neoplastic syndrome. Identifiers: Orphanet 140162, MedGen C0027672, MeSH D009386, MONDO:0015356.

Allele frequency attached by ClinVar (database versions not stated): gnomAD exomes below 0.00001.
gnomAD v4.1: 1 of 1,577,118 alleles (0.000063%); highest among the groups gnomAD compares: Non-Finnish European, 0.000086%; no homozygotes.

Submissions (4):

Labcorp Genetics (formerly Invitae), Labcorp
Classification: Uncertain significance for Hereditary breast ovarian cancer syndrome. Last evaluated: 2024-03-07. Review status: criteria provided, single submitter. Criteria: Invitae Variant Classification Sherloc (09022015). Collection method: clinical testing. Allele origin: germline.
Comment: This sequence change replaces tyrosine, which is neutral and polar, with serine, which is neutral and polar, at codon 1313 of the BRCA2 protein (p.Tyr1313Ser). This variant is not present in population databases (gnomAD no frequency). This missense change has been observed in individual(s) with breast cancer (PMID: 29335924). ClinVar contains an entry for this variant (Variation ID: 51567). Advanced modeling of protein sequence and biophysical properties (such as structural, functional, and spatial information, amino acid conservation, physicochemical variation, residue mobility, and thermodynamic stability) performed at Invitae indicates that this missense variant is not expected to disrupt BRCA2 protein function with a negative predictive value of 95%. In summary, the available evidence is currently insufficient to determine the role of this variant in disease. Therefore, it has been classified as a Variant of Uncertain Significance.

University of Washington Department of Laboratory Medicine, University of Washington
Classification: Likely benign for Hereditary cancer-predisposing syndrome. Last evaluated: 2023-03-23. Review status: criteria provided, single submitter. Criteria: Dines et al. (Genet Med. 2020). Collection method: curation. Allele origin: germline.
Comment: Missense variant in a coldspot region where missense variants are very unlikely to be pathogenic (PMID:31911673).

BRCA2 exon 11 coldspot. Reclassification based on statistical prior probability.

Department of Pathology and Laboratory Medicine, Sinai Health System
Classification: Uncertain significance for Familial colorectal cancer type X. Last evaluated: 2021-07-19. Review status: criteria provided, single submitter. Criteria: ACMG Guidelines, 2015. Collection method: clinical testing. Allele origin: germline. Affected: yes.

Breast Cancer Information Core (BIC) (BRCA2)
Classification: Uncertain significance for Breast-ovarian cancer, familial 2. Last evaluated: 2004-02-20. Review status: no assertion criteria provided. Collection method: clinical testing. Allele origin: germline. Affected: yes. Observed: 1 variant allele. Not counted in ClinVar's aggregate classification.

Literature cited by the submitters: PubMed 29335924 (cited by Labcorp Genetics (formerly Invitae), Labcorp and Department of Pathology and Laboratory Medicine, Sinai Health System).